The following is an entry in ClinVar:

NM_001458.5(FLNC):c.3997G>A (p.Val1333Ile)

Gene: FLNC (filamin C; plus strand). Cytogenetic location: 7q32.1.
Variant type: single nucleotide variant.
Coding change: c.3997G>A on transcript NM_001458.5 (MANE Select); coding-DNA position 3997, G replaced by A.
Protein change: p.Val1333Ile; replaces valine 1333 with isoleucine.
Molecular consequence: missense variant.
Genome position (GRCh38, 1-based): chr7:128,846,333, G>A. VCF-style: chr7-128846333-G-A. GRCh37 (hg19) VCF-style: chr7-128486387-G-A.
Other names: c.3997G>A, p.Val1333Ile (NM_001127487.2); short protein forms V1333I.
Identifiers: ClinVar variation 3748323 (VCV003748323.2).

ClinVar aggregate classification (germline): Uncertain significance (1 of 4 stars; one submission).

Conditions:
Hypertrophic cardiomyopathy 26. Also called: Cardiomyopathy, familial hypertrophic, 26. Identifiers: Orphanet 75249, MedGen C4310749, MONDO:0014883, OMIM 617047.
Myofibrillar myopathy 5. Also called: Filaminopathy (type); FILAMINOPATHY, AUTOSOMAL DOMINANT. Identifiers: Orphanet 171445, MedGen C1836050, MONDO:0012289, OMIM 609524.
Distal myopathy with posterior leg and anterior hand involvement. Also called: WILLIAMS DISTAL MYOPATHY. Identifiers: Orphanet 63273, MedGen C3279722, MONDO:0013550, OMIM 614065.

gnomAD v4.1: 2 of 1,613,866 alleles (0.00012%); highest among the groups gnomAD compares: Non-Finnish European, 0.00017%; no homozygotes.

Submission:

Labcorp Genetics (formerly Invitae), Labcorp
Classification: Uncertain significance for Distal myopathy with posterior leg and anterior hand involvement; Myofibrillar myopathy 5; Hypertrophic cardiomyopathy 26. Last evaluated: 2025-03-30. Review status: criteria provided, single submitter. Criteria: Invitae Variant Classification Sherloc (09022015). Collection method: clinical testing. Allele origin: germline.
Comment: This sequence change replaces valine, which is neutral and non-polar, with isoleucine, which is neutral and non-polar, at codon 1333 of the FLNC protein (p.Val1333Ile). This variant is not present in population databases (gnomAD no frequency). This variant has not been reported in the literature in individuals affected with FLNC-related conditions. Invitae Evidence Modeling of protein sequence and biophysical properties (such as structural, functional, and spatial information, amino acid conservation, physicochemical variation, residue mobility, and thermodynamic stability) has been performed for this missense variant. However, the output from this modeling did not meet the statistical confidence thresholds required to predict the impact of this variant on FLNC protein function. In summary, the available evidence is currently insufficient to determine the role of this variant in disease. Therefore, it has been classified as a Variant of Uncertain Significance.